The following is an entry in ClinVar:

ClinVar aggregate classification (germline): Pathogenic (1 of 4 stars; one submission).

Submission:

Labcorp Genetics (formerly Invitae), Labcorp
Classification: Pathogenic. Last evaluated: 2023-12-21. Review status: criteria provided, single submitter. Criteria: Invitae Variant Classification Sherloc (09022015). Collection method: clinical testing. Allele origin: germline.
Comment: This sequence change creates a premature translational stop signal (p.Ser469Glnfs*12) in the ABCG8 gene. It is expected to result in an absent or disrupted protein product. Loss-of-function variants in ABCG8 are known to be pathogenic (PMID: 11452359, 15375183, 16029460). This variant is present in population databases (no rsID available, gnomAD 0.006%). This premature translational stop signal has been observed in individual(s) with sitosterolemia (PMID: 32275988). For these reasons, this variant has been classified as Pathogenic.

Literature cited by the submitters: PubMed 11452359; PubMed 15375183; PubMed 16029460; PubMed 32275988.

NM_022437.3(ABCG8):c.1405_1406del (p.Ser469fs)

Gene: ABCG8 (ATP binding cassette subfamily G member 8; plus strand). Cytogenetic location: 2p21.
Variant type: Microsatellite.
Coding change: c.1405_1406del on transcript NM_022437.3 (MANE Select); coding-DNA positions 1405 to 1406, 2 bases deleted (TC; older notation c.1405_1406delTC).
Protein change: p.Ser469fs; shifts the reading frame from serine 469.
Molecular consequence: frameshift variant.
Genome position (GRCh38, 1-based): chr2:43,873,980-43,873,981, TC deleted; deleting any 2 consecutive bases within chr2:43,873,978-43,873,981 gives the same sequence; the c. name uses the placement nearest the transcript's 3' end. VCF-style (leftmost placement, unchanged base first): chr2-43873977-ATC-A. GRCh37 (hg19) VCF-style: chr2-44101116-ATC-A.
Other names: c.1402_1403del, p.Ser468fs (NM_001357321.2); short protein forms S469fs, S468fs.
Identifiers: ClinVar variation 2815554 (VCV002815554.3), dbSNP rs1439167347, ClinGen allele CA532703250.